The following is an entry in ClinVar:

ClinVar aggregate classification (germline): Uncertain significance. Review status: criteria provided, multiple submitters, no conflicts (2 of 4 stars). 2 submissions from 2 submitters: Uncertain significance (2). Last evaluated 2026-01-06.

Conditions:
Hereditary nonpolyposis colorectal neoplasms. Identifiers: MedGen C0009405, MeSH D003123.
Hereditary cancer-predisposing syndrome. Also called: Neoplastic Syndromes, Hereditary; Hereditary neoplastic syndrome; Tumor predisposition; Hereditary Cancer Syndrome. Identifiers: Orphanet 140162, MedGen C0027672, MeSH D009386, MONDO:0015356.

Submissions (2):

Ambry Genetics
Classification: Uncertain significance for Hereditary cancer-predisposing syndrome. Last evaluated: 2026-01-06. Review status: criteria provided, single submitter. Criteria: Ambry Variant Classification Scheme 2023. Collection method: clinical testing. Allele origin: germline.
Comment: The p.S358F variant (also known as c.1073C>T), located in coding exon 10 of the PMS2 gene, results from a C to T substitution at nucleotide position 1073. The serine at codon 358 is replaced by phenylalanine, an amino acid with highly dissimilar properties. This amino acid position is conserved. In addition, this alteration is predicted to be deleterious by in silico analysis. Based on the available evidence, the clinical significance of this variant remains unclear.

Labcorp Genetics (formerly Invitae), Labcorp
Classification: Uncertain significance for Hereditary nonpolyposis colorectal neoplasms. Last evaluated: 2024-05-25. Review status: criteria provided, single submitter. Criteria: Invitae Variant Classification Sherloc (09022015). Collection method: clinical testing. Allele origin: germline.
Comment: This sequence change replaces serine, which is neutral and polar, with phenylalanine, which is neutral and non-polar, at codon 358 of the PMS2 protein (p.Ser358Phe). This variant is not present in population databases (gnomAD no frequency). This variant has not been reported in the literature in individuals affected with PMS2-related conditions. ClinVar contains an entry for this variant (Variation ID: 580373). Advanced modeling of protein sequence and biophysical properties (such as structural, functional, and spatial information, amino acid conservation, physicochemical variation, residue mobility, and thermodynamic stability) performed at Invitae indicates that this missense variant is expected to disrupt PMS2 protein function with a positive predictive value of 80%. In summary, the available evidence is currently insufficient to determine the role of this variant in disease. Therefore, it has been classified as a Variant of Uncertain Significance.

NM_000535.7(PMS2):c.1073C>T (p.Ser358Phe)

Gene: PMS2 (PMS1 homolog 2, mismatch repair system component; minus strand). Cytogenetic location: 7p22.1.
Variant type: single nucleotide variant.
Coding change: c.1073C>T on transcript NM_000535.7 (MANE Select); coding-DNA position 1073, C replaced by T.
Protein change: p.Ser358Phe; replaces serine 358 with phenylalanine.
Molecular consequence: missense variant. On other transcripts: non-coding transcript variant (1), intron variant (2).
Genome position (GRCh38, 1-based): chr7:5,989,871, G>A on the plus strand (C>T on the coding strand, the complement: PMS2 is on the minus strand). VCF-style: chr7-5989871-G-A. GRCh37 (hg19) VCF-style: chr7-6029502-G-A.
Other names: c.668C>T, p.Ser223Phe (NM_001322003.2, NM_001322004.2, NM_001322005.2 and 1 more transcripts); c.755C>T, p.Ser252Phe (NM_001322007.2, NM_001322008.2); c.140C>T, p.Ser47Phe (NM_001322011.2, NM_001322012.2); c.500C>T, p.Ser167Phe (NM_001322013.2); c.1073C>T, p.Ser358Phe (NM_001322014.2); c.764C>T, p.Ser255Phe (NM_001322015.2); c.583+2102C>T (NM_001322010.2); c.988+2102C>T (NM_001322006.2); short protein forms S358F, S252F, S47F, S223F, S255F, S167F.
Identifiers: ClinVar variation 580373 (VCV000580373.9), dbSNP rs762299041, ClinGen allele CA366742865.